The following is an entry in ClinVar:

ClinVar aggregate classification (germline): Likely pathogenic (1 of 4 stars; one submission).

Conditions:
Diamond-Blackfan anemia 21. Identifiers: MedGen C5774230, MONDO:0031071, OMIM 620072.

Submission:

First Genomix Gene Laboratory, Genetic Diagnostics Department
Classification: Likely pathogenic for Diamond-Blackfan anemia 21. Last evaluated: 2025-09-23. Review status: criteria provided, single submitter. Criteria: ACMG Guidelines, 2015. Collection method: clinical testing. Allele origin: germline. Inheritance: Autosomal recessive inheritance. Affected: no. Observed: 1 variant allele.

NM_182922.4(HEATR3):c.202C>T (p.Gln68Ter)

Gene: HEATR3 (HEAT repeat containing 3; plus strand). Cytogenetic location: 16q12.1.
Variant type: single nucleotide variant.
Coding change: c.202C>T on transcript NM_182922.4 (MANE Select); coding-DNA position 202, C replaced by T.
Protein change: p.Gln68Ter; replaces glutamine 68 with a stop codon.
Molecular consequence: nonsense. On other transcripts: 5 prime UTR variant (3), non-coding transcript variant (2).
Genome position (GRCh38, 1-based): chr16:50,066,430, C>T. VCF-style: chr16-50066430-C-T. GRCh37 (hg19) VCF-style: chr16-50100341-C-T.
Other names: c.-465C>T (NM_001329730.2); c.-382C>T (NM_001329731.2); c.-491C>T (NM_001329729.2); short protein forms Q68*.
Identifiers: ClinVar variation 4850427 (VCV004850427.1).